The following is an entry in ClinVar:

ClinVar aggregate classification (germline): Uncertain significance (1 of 4 stars; one submission).

Allele frequency attached by ClinVar (database versions not stated): gnomAD 0.00001; TOPMed 0.00001.
gnomAD v4.1: 1 of 1,614,048 alleles (0.000062%); highest among the groups gnomAD compares: African/African-American, 0.0013%; no homozygotes.

Submission:

Labcorp Genetics (formerly Invitae), Labcorp
Classification: Uncertain significance. Last evaluated: 2024-12-02. Review status: criteria provided, single submitter. Criteria: Invitae Variant Classification Sherloc (09022015). Collection method: clinical testing. Allele origin: germline.
Comment: This sequence change replaces methionine, which is neutral and non-polar, with valine, which is neutral and non-polar, at codon 33 of the CNGB1 protein (p.Met33Val). This variant is present in population databases (no rsID available, gnomAD 0.01%). This variant has not been reported in the literature in individuals affected with CNGB1-related conditions. ClinVar contains an entry for this variant (Variation ID: 1023040). Invitae Evidence Modeling of protein sequence and biophysical properties (such as structural, functional, and spatial information, amino acid conservation, physicochemical variation, residue mobility, and thermodynamic stability) indicates that this missense variant is not expected to disrupt CNGB1 protein function with a negative predictive value of 95%. In summary, the available evidence is currently insufficient to determine the role of this variant in disease. Therefore, it has been classified as a Variant of Uncertain Significance.

NM_001297.5(CNGB1):c.97A>G (p.Met33Val)

Gene: CNGB1 (cyclic nucleotide gated channel subunit beta 1; minus strand). Cytogenetic location: 16q21.
Variant type: single nucleotide variant.
Coding change: c.97A>G on transcript NM_001297.5 (MANE Select); coding-DNA position 97, A replaced by G.
Protein change: p.Met33Val; replaces methionine 33 with valine.
Molecular consequence: missense variant.
Genome position (GRCh38, 1-based): chr16:57,967,190, T>C on the plus strand (A>G on the coding strand, the complement: CNGB1 is on the minus strand). VCF-style: chr16-57967190-T-C. GRCh37 (hg19) VCF-style: chr16-58001094-T-C.
Other names: c.97A>G, p.Met33Val (NM_001135639.2, NM_001286130.2); short protein forms M33V.
Identifiers: ClinVar variation 1023040 (VCV001023040.8), dbSNP rs757082296, ClinGen allele CA396063806.